The following is an entry in ClinVar:

NM_004360.5(CDH1):c.2572G>T (p.Asp858Tyr)

Gene: CDH1 (cadherin 1; plus strand). Cytogenetic location: 16q22.1.
Variant type: single nucleotide variant.
Coding change: c.2572G>T on transcript NM_004360.5 (MANE Select); coding-DNA position 2572, G replaced by T.
Protein change: p.Asp858Tyr; replaces aspartic acid 858 with tyrosine.
Molecular consequence: missense variant.
Genome position (GRCh38, 1-based): chr16:68,833,422, G>T. VCF-style: chr16-68833422-G-T. GRCh37 (hg19) VCF-style: chr16-68867325-G-T.
Other names: c.2389G>T, p.Asp797Tyr (NM_001317184.2); c.1024G>T, p.Asp342Tyr (NM_001317185.2); c.607G>T, p.Asp203Tyr (NM_001317186.2); short protein forms D203Y, D797Y, D342Y, D858Y.
Identifiers: ClinVar variation 821508 (VCV000821508.4), dbSNP rs587782025, ClinGen allele CA396472516.

ClinVar aggregate classification (germline): Uncertain significance (1 of 4 stars; one submission).

Conditions:
Hereditary cancer-predisposing syndrome. Also called: Tumor predisposition; Hereditary Cancer Syndrome; Neoplastic Syndromes, Hereditary; Hereditary neoplastic syndrome. Identifiers: Orphanet 140162, MedGen C0027672, MeSH D009386, MONDO:0015356.

Submission:

Ambry Genetics
Classification: Uncertain significance for Hereditary cancer-predisposing syndrome. Last evaluated: 2019-10-28. Review status: criteria provided, single submitter. Criteria: Ambry Variant Classification Scheme 2023. Collection method: clinical testing. Allele origin: germline.
Comment: The p.D858Y variant (also known as c.2572G>T), located in coding exon 16 of the CDH1 gene, results from a G to T substitution at nucleotide position 2572. The aspartic acid at codon 858 is replaced by tyrosine, an amino acid with highly dissimilar properties. This amino acid position is well conserved in available vertebrate species. In addition, this alteration is predicted to be deleterious by in silico analysis. Since supporting evidence is limited at this time, the clinical significance of this alteration remains unclear.